The following is an entry in ClinVar:

ClinVar aggregate classification (germline): Uncertain significance (1 of 4 stars; one submission).

gnomAD v4.1: 1 of 1,468,294 alleles (0.000068%); no homozygotes.

Submission:

Labcorp Genetics (formerly Invitae), Labcorp
Classification: Uncertain significance. Last evaluated: 2025-10-24. Review status: criteria provided, single submitter. Criteria: Invitae Variant Classification Sherloc (09022015). Collection method: clinical testing. Allele origin: germline.
Comment: This sequence change replaces serine, which is neutral and polar, with asparagine, which is neutral and polar, at codon 1968 of the SON protein (p.Ser1968Asn). This variant is not present in population databases (gnomAD no frequency). This variant has not been reported in the literature in individuals affected with SON-related conditions. Experimental studies and prediction algorithms are not available or were not evaluated, and the functional significance of this variant is currently unknown. In summary, the available evidence is currently insufficient to determine the role of this variant in disease. Therefore, it has been classified as a Variant of Uncertain Significance.

NM_138927.4(SON):c.5903G>A (p.Ser1968Asn)

Gene: SON (SON DNA and RNA binding protein; plus strand). Cytogenetic location: 21q22.11.
Variant type: single nucleotide variant.
Coding change: c.5903G>A on transcript NM_138927.4 (MANE Select); coding-DNA position 5903, G replaced by A.
Protein change: p.Ser1968Asn; replaces serine 1968 with asparagine.
Molecular consequence: missense variant. On other transcripts: non-coding transcript variant (1), intron variant (1).
Genome position (GRCh38, 1-based): chr21:33,555,134, G>A. VCF-style: chr21-33555134-G-A. GRCh37 (hg19) VCF-style: chr21-34927440-G-A.
Other names: c.5903G>A, p.Ser1968Asn (NM_001291411.2, NM_032195.3); c.245-2022G>A (NM_001291412.3); short protein forms S1968N.
Identifiers: ClinVar variation 4708095 (VCV004708095.1).